The following is an entry in ClinVar:

ClinVar aggregate classification (germline): Conflicting classifications of pathogenicity. Review status: criteria provided, conflicting classifications (1 of 4 stars). 4 submissions from 4 submitters: Uncertain significance (3); Likely benign (1). Last evaluated 2026-09-01.

Conditions:
Early-infantile DEE. Also called: Early infantile epileptic encephalopathy; Ohtahara syndrome; Early infantile epileptic encephalopathy with suppression bursts. Identifiers: Orphanet 1934, MedGen C0393706, MONDO:0800491.
Developmental and epileptic encephalopathy, 5 (DEE5). Identifiers: Orphanet 3451, MedGen C3150731, MONDO:0013277, OMIM 613477.

Submissions (4):

CeGaT Center for Human Genetics Tuebingen
Classification: Likely benign. Last evaluated: 2026-09-01. Review status: criteria provided, single submitter. Criteria: CeGaT Center For Human Genetics Tuebingen Variant Classification Criteria Version 2. Collection method: clinical testing. Allele origin: germline. Affected: yes. Observed: 1 variant allele.
Comment: SPTAN1: BP4

Labcorp Genetics (formerly Invitae), Labcorp
Classification: Uncertain significance for Early-infantile DEE. Last evaluated: 2026-01-16. Review status: criteria provided, single submitter. Criteria: Invitae Variant Classification Sherloc (09022015). Collection method: clinical testing. Allele origin: germline.
Comment: This sequence change falls in intron 55 of the SPTAN1 gene. It does not directly change the encoded amino acid sequence of the SPTAN1 protein. It affects a nucleotide within the consensus splice site. This variant is present in population databases (rs756769947, gnomAD 0.04%), and has an allele count higher than expected for a pathogenic variant. This variant has not been reported in the literature in individuals affected with SPTAN1-related conditions. ClinVar contains an entry for this variant (Variation ID: 1015065). Variants that disrupt the consensus splice site are a relatively common cause of aberrant splicing (PMID: 17576681, 9536098). Algorithms developed to predict the effect of sequence changes on RNA splicing suggest that this variant is not likely to affect RNA splicing. In summary, the available evidence is currently insufficient to determine the role of this variant in disease. Therefore, it has been classified as a Variant of Uncertain Significance.

Genome-Nilou Lab
Classification: Uncertain significance for Developmental and epileptic encephalopathy, 5. Last evaluated: 2021-07-15. Review status: criteria provided, single submitter. Criteria: ACMG Guidelines, 2015. Collection method: clinical testing. Allele origin: germline. Affected: no.

Baylor Genetics
Classification: Uncertain significance for Developmental and epileptic encephalopathy, 5. Last evaluated: 2018-02-06. Review status: criteria provided, single submitter. Criteria: ACMG Guidelines, 2015. Collection method: clinical testing. Allele origin: unknown. Affected: yes.
Comment: This variant was determined to be of uncertain significance according to ACMG Guidelines, 2015 [PMID:25741868].

Literature cited by the submitters: PubMed 17576681 (cited by Labcorp Genetics (formerly Invitae), Labcorp); PubMed 9536098 (cited by Labcorp Genetics (formerly Invitae), Labcorp).

NM_001130438.3(SPTAN1):c.7160+5_7160+9del

Gene: SPTAN1 (spectrin alpha, non-erythrocytic 1; plus strand). Cytogenetic location: 9q34.11.
Variant type: Deletion.
Coding change: c.7160+5_7160+9del on transcript NM_001130438.3 (MANE Select); bases 5 to 9 of the intron after coding-DNA position 7160, 5 bases deleted (ATTAA; older notation c.7160+5_7160+9delATTAA).
Molecular consequence: splice donor variant.
Genome position (GRCh38, 1-based): chr9:128,632,723-128,632,727, ATTAA deleted; deleting any 5 consecutive bases within chr9:128,632,720-128,632,727 gives the same sequence; the c. name uses the placement nearest the transcript's 3' end. VCF-style (leftmost placement, unchanged base first): chr9-128632719-GTAAAT-G. GRCh37 (hg19) VCF-style: chr9-131394998-GTAAAT-G.
Other names: c.7259+5_7259+9del (NM_001375318.1); c.7196+5_7196+9del (NM_001375312.2); c.7160+5_7160+9del (NM_001375311.2); c.7100+5_7100+9del (NM_001375314.2, NM_001363765.2); c.7247+5_7247+9del (NM_001375310.1); c.7223+5_7223+9del (NM_001363759.2); c.7142+5_7142+9del (NM_001375313.1); c.7145+5_7145+9del (NM_003127.4); and 1 more.
Identifiers: ClinVar variation 1015065 (VCV001015065.12), dbSNP rs747442396, ClinGen allele CA5266014.